The following is an entry in ClinVar:

ClinVar aggregate classification (germline): Uncertain significance (1 of 4 stars; one submission).

Conditions:
Cardiovascular phenotype. Identifiers: MedGen CN230736.

Submission:

Ambry Genetics
Classification: Uncertain significance for Cardiovascular phenotype. Last evaluated: 2025-12-02. Review status: criteria provided, single submitter. Criteria: Ambry Variant Classification Scheme 2023. Collection method: clinical testing. Allele origin: germline.
Comment: The p.L616Q variant (also known as c.1847T>A), located in coding exon 22 of the CACNA2D1 gene, results from a T to A substitution at nucleotide position 1847. The leucine at codon 616 is replaced by glutamine, an amino acid with dissimilar properties. This amino acid position is conserved. In addition, the in silico prediction for this alteration is inconclusive. Based on the available evidence, the clinical significance of this variant remains unclear.

NM_000722.4(CACNA2D1):c.1847T>A (p.Leu616Gln)

Gene: CACNA2D1 (calcium voltage-gated channel auxiliary subunit alpha2delta 1; minus strand). Cytogenetic location: 7q21.11.
Variant type: single nucleotide variant.
Coding change: c.1847T>A on transcript NM_000722.4 (MANE Select); coding-DNA position 1847, T replaced by A.
Protein change: p.Leu616Gln; replaces leucine 616 with glutamine.
Molecular consequence: missense variant.
Genome position (GRCh38, 1-based): chr7:81,984,661, A>T on the plus strand (T>A on the coding strand, the complement: CACNA2D1 is on the minus strand). VCF-style: chr7-81984661-A-T. GRCh37 (hg19) VCF-style: chr7-81613977-A-T.
Other names: c.1904T>A, p.Leu635Gln (NM_001366867.1); short protein forms L616Q, L635Q.
Identifiers: ClinVar variation 4613776 (VCV004613776.1).